The following is an entry in ClinVar:

NM_000426.4(LAMA2):c.8040del (p.Phe2680fs)

Gene: LAMA2 (laminin subunit alpha 2; plus strand). Cytogenetic location: 6q22.33.
Variant type: Deletion.
Coding change: c.8040del on transcript NM_000426.4 (MANE Select); coding-DNA position 8040, one base deleted (T; older notation c.8040delT).
Protein change: p.Phe2680fs; shifts the reading frame from phenylalanine 2680.
Molecular consequence: frameshift variant.
Genome position (GRCh38, 1-based): chr6:129,492,042, T deleted; the last of 4 consecutive T bases (chr6:129,492,039-129,492,042); deleting any one gives the same sequence. VCF-style (leftmost placement, unchanged base first): chr6-129492038-CT-C. GRCh37 (hg19) VCF-style: chr6-129813183-CT-C.
Other names: c.8028del, p.Phe2676fs (NM_001079823.2); short protein forms F2676fs, F2680fs.
Identifiers: ClinVar variation 2746613 (VCV002746613.3), dbSNP rs2533504443, ClinGen allele CA2697553712.

ClinVar aggregate classification (germline): Pathogenic (1 of 4 stars; one submission).

Conditions:
LAMA2-related muscular dystrophy (LAMA2-RD). Also called: Laminin alpha 2-related dystrophy. Identifiers: MedGen C5679788, MONDO:0100228.

Submission:

Labcorp Genetics (formerly Invitae), Labcorp
Classification: Pathogenic for LAMA2-related muscular dystrophy. Last evaluated: 2023-07-25. Review status: criteria provided, single submitter. Criteria: Invitae Variant Classification Sherloc (09022015). Collection method: clinical testing. Allele origin: germline.
Comment: For these reasons, this variant has been classified as Pathogenic. This variant has not been reported in the literature in individuals affected with LAMA2-related conditions. This variant is not present in population databases (gnomAD no frequency). This sequence change creates a premature translational stop signal (p.Phe2680Leufs*48) in the LAMA2 gene. It is expected to result in an absent or disrupted protein product. Loss-of-function variants in LAMA2 are known to be pathogenic (PMID: 18700894, 32904964).

Literature cited by the submitters: PubMed 18700894; PubMed 32904964.